The following is an entry in ClinVar:

NM_144997.7(FLCN):c.1531T>C (p.Trp511Arg)

Gene: FLCN (folliculin; minus strand). Cytogenetic location: 17p11.2.
Variant type: single nucleotide variant.
Coding change: c.1531T>C on transcript NM_144997.7 (MANE Select); coding-DNA position 1531, T replaced by C.
Protein change: p.Trp511Arg; replaces tryptophan 511 with arginine.
Molecular consequence: missense variant.
Genome position (GRCh38, 1-based): chr17:17,214,992, A>G on the plus strand (T>C on the coding strand, the complement: FLCN is on the minus strand). VCF-style: chr17-17214992-A-G. GRCh37 (hg19) VCF-style: chr17-17118306-A-G.
Other names: c.1531T>C (LRG_325t1); c.1585T>C, p.Trp529Arg (NM_001353229.2); c.1531T>C, p.Trp511Arg (NM_001353230.2, NM_001353231.2); short protein forms W511R, W529R.
Identifiers: ClinVar variation 460600 (VCV000460600.8), dbSNP rs1555606948, ClinGen allele CA398530693.

ClinVar aggregate classification (germline): Uncertain significance. Review status: criteria provided, multiple submitters, no conflicts (2 of 4 stars). 2 submissions from 2 submitters: Uncertain significance (2). Last evaluated 2025-08-30.

Conditions:
Hereditary cancer-predisposing syndrome. Also called: Hereditary neoplastic syndrome; Neoplastic Syndromes, Hereditary; Tumor predisposition; Hereditary Cancer Syndrome. Identifiers: Orphanet 140162, MedGen C0027672, MeSH D009386, MONDO:0015356.
Birt-Hogg-Dube syndrome. Also called: Birt Hogg Dubé syndrome. Identifiers: Orphanet 122, MedGen C0346010, MONDO:0800444.

Submissions (2):

Ambry Genetics
Classification: Uncertain significance for Hereditary cancer-predisposing syndrome. Last evaluated: 2025-08-30. Review status: criteria provided, single submitter. Criteria: Ambry Variant Classification Scheme 2023. Collection method: clinical testing. Allele origin: germline.
Comment: The p.W511R variant (also known as c.1531T>C), located in coding exon 10 of the FLCN gene, results from a T to C substitution at nucleotide position 1531. The tryptophan at codon 511 is replaced by arginine, an amino acid with dissimilar properties. This amino acid position is conserved. In addition, this alteration is predicted to be deleterious by in silico analysis. Since supporting evidence is limited at this time, the clinical significance of this alteration remains unclear.

Labcorp Genetics (formerly Invitae), Labcorp
Classification: Uncertain significance for Birt-Hogg-Dube syndrome. Last evaluated: 2024-04-11. Review status: criteria provided, single submitter. Criteria: Invitae Variant Classification Sherloc (09022015). Collection method: clinical testing. Allele origin: germline.
Comment: This sequence change replaces tryptophan, which is neutral and slightly polar, with arginine, which is basic and polar, at codon 511 of the FLCN protein (p.Trp511Arg). This variant is not present in population databases (gnomAD no frequency). This variant has not been reported in the literature in individuals affected with FLCN-related conditions. ClinVar contains an entry for this variant (Variation ID: 460600). Advanced modeling of protein sequence and biophysical properties (such as structural, functional, and spatial information, amino acid conservation, physicochemical variation, residue mobility, and thermodynamic stability) performed at Invitae indicates that this missense variant is expected to disrupt FLCN protein function with a positive predictive value of 80%. In summary, the available evidence is currently insufficient to determine the role of this variant in disease. Therefore, it has been classified as a Variant of Uncertain Significance.